The following is an entry in ClinVar:

ClinVar aggregate classification (germline): Benign (1 of 4 stars; one submission).

Conditions:
Tuberous sclerosis 2 (TSC2). Identifiers: Orphanet 805, MedGen C1860707, MONDO:0013199, OMIM 613254.

Submission:

Myriad Genetics, Inc.
Classification: Benign for Tuberous sclerosis 2. Last evaluated: 2025-05-14. Review status: criteria provided, single submitter. Criteria: Myriad Autosomal Dominant, Autosomal Recessive and X-Linked Classification Criteria (2023). Collection method: clinical testing. Allele origin: unknown.
Comment: This variant is considered benign. This variant is a silent/synonymous amino acid change and it is not expected to impact splicing.

NM_000548.5(TSC2):c.1575_1578delinsTAGT (p.Asn525_Ser526=)

Gene: TSC2 (TSC complex subunit 2; plus strand). Cytogenetic location: 16p13.3.
Variant type: Indel.
Coding change: c.1575_1578delinsTAGT on transcript NM_000548.5 (MANE Select); coding-DNA positions 1575 to 1578, CAGC replaced by TAGT.
Protein change: p.Asn525_Ser526=.
Molecular consequence: synonymous variant. On other transcripts: 5 prime UTR variant (1), non-coding transcript variant (5).
Genome position (GRCh38, 1-based): chr16:2,064,403-2,064,406, CAGC replaced by TAGT. VCF-style: chr16-2064403-CAGC-TAGT. GRCh37 (hg19) VCF-style: chr16-2114404-CAGC-TAGT.
Other names: c.1575_1578delinsTAGT, p.Asn525_Ser526= (NM_001077183.3, NM_001114382.3, NM_001363528.2 and 6 more transcripts); c.1464_1467delinsTAGT, p.Asn488_Ser489= (NM_001318827.2, NM_001406670.1, NM_001406678.1); c.1428_1431delinsTAGT, p.Asn476_Ser477= (NM_001318829.2, NM_001406675.1, NM_001406676.1 and 1 more transcripts); c.975_978delinsTAGT, p.Asn325_Ser326= (NM_001318831.2, NM_001406680.1, NM_001406682.1 and 6 more transcripts); c.1608_1611delinsTAGT, p.Asn536_Ser537= (NM_001318832.2); c.1665_1668delinsTAGT, p.Asn555_Ser556= (NM_001406667.1, NM_001406668.1); c.1563_1566delinsTAGT, p.Asn521_Ser522= (NM_001406671.1, NM_001406673.1); c.1518_1521delinsTAGT, p.Asn506_Ser507= (NM_001406677.1); and 3 more.
Identifiers: ClinVar variation 4071110 (VCV004071110.1).
Genomic context (GRCh38, chr16:2,064,403, plus strand): 5'-AAAGCTGGCCACCCAGTTGCTGGTGGACCTGGCAGAGGGCTGCCACACACACCACTTCAA[CAGC>TAGT]CTGCTGGACATCATCGAGAAGGTGAGAGCCGTTGTACCCGGGGCCGGGTGCTAGCGTGCC-3'